The following is an entry in ClinVar:

NM_000198.4(HSD3B2):c.424G>T (p.Glu142Ter)

Gene: HSD3B2 (hydroxy-delta-5-steroid dehydrogenase, 3 beta- and steroid delta-isomerase 2; plus strand). Cytogenetic location: 1p12.
Variant type: single nucleotide variant.
Coding change: c.424G>T on transcript NM_000198.4 (MANE Select); coding-DNA position 424, G replaced by T.
Protein change: p.Glu142Ter; replaces glutamic acid 142 with a stop codon.
Molecular consequence: nonsense.
Genome position (GRCh38, 1-based): chr1:119,421,925, G>T. VCF-style: chr1-119421925-G-T. GRCh37 (hg19) VCF-style: chr1-119964548-G-T.
Other names: c.424G>T, p.Glu142Ter (NM_001166120.2); short protein forms E142*.
Identifiers: ClinVar variation 2761538 (VCV002761538.4), dbSNP rs80358219, ClinGen allele CA1035973.

ClinVar aggregate classification (germline): Pathogenic/Likely pathogenic. Review status: criteria provided, multiple submitters, no conflicts (2 of 4 stars). 2 submissions from 2 submitters: Pathogenic (1); Likely pathogenic (1). Last evaluated 2024-06-21.

Conditions:
3 beta-Hydroxysteroid dehydrogenase deficiency. Also called: 3-BETA-HSD DEFICIENCY; ADRENAL HYPERPLASIA II; Congenital adrenal hyperplasia due to 3-beta-hydroxysteroid dehydrogenase deficiency; 3b-hydroxysteroid dehydrogenase deficiency; ADRENAL HYPERPLASIA, CONGENITAL, DUE TO 3-BETA-HYDROXYSTEROID DEHYDROGENASE 2 DEFICIENCY. Identifiers: Orphanet 90791, MedGen C0342471, MeSH C538236, MONDO:0008727, OMIM 201810. Disease mechanism: loss of function.

Allele frequency attached by ClinVar (database versions not stated): ExAC 0.00001.
gnomAD v4.1: 5 of 1,613,912 alleles (0.00031%); highest among the groups gnomAD compares: East Asian, 0.011%; no homozygotes.

Submissions (2):

Fulgent Genetics
Classification: Likely pathogenic for 3 beta-Hydroxysteroid dehydrogenase deficiency. Last evaluated: 2024-06-21. Review status: criteria provided, single submitter. Criteria: ACMG Guidelines, 2015. Collection method: clinical testing. Allele origin: germline.

Labcorp Genetics (formerly Invitae), Labcorp
Classification: Pathogenic. Last evaluated: 2023-09-18. Review status: criteria provided, single submitter. Criteria: Invitae Variant Classification Sherloc (09022015). Collection method: clinical testing. Allele origin: germline.
Comment: This variant disrupts a region of the HSD3B2 protein in which other variant(s) (p.Pro222Gln) have been determined to be pathogenic (PMID: 10599696, 15585552, 21340167, 25211449). This suggests that this is a clinically significant region of the protein, and that variants that disrupt it are likely to be disease-causing. This variant disrupts the C-terminus of the HSD3B2 protein, which has been demonstrated to be critical for enzymatic activity (PMID: 1825279). While functional studies have not been performed to directly test the effect of this variant on HSD3B2 protein function, this suggests that disruption of this region of the protein is causative of disease. This variant has not been reported in the literature in individuals affected with HSD3B2-related conditions. This variant is present in population databases (rs80358219, gnomAD 0.006%). This sequence change creates a premature translational stop signal (p.Glu142*) in the HSD3B2 gene. While this is not anticipated to result in nonsense mediated decay, it is expected to disrupt the last 231 amino acid(s) of the HSD3B2 protein. For these reasons, this variant has been classified as Pathogenic.

Literature cited by the submitters: PubMed 10599696 (cited by Labcorp Genetics (formerly Invitae), Labcorp); PubMed 15585552 (cited by Labcorp Genetics (formerly Invitae), Labcorp); PubMed 21340167 (cited by Labcorp Genetics (formerly Invitae), Labcorp); PubMed 25211449 (cited by Labcorp Genetics (formerly Invitae), Labcorp); PubMed 1825279 (cited by Labcorp Genetics (formerly Invitae), Labcorp).